The following is an entry in ClinVar:

ClinVar aggregate classification (germline): Conflicting classifications of pathogenicity. Review status: criteria provided, conflicting classifications (1 of 4 stars). 3 submissions from 3 submitters: Pathogenic (1); Uncertain significance (2). Last evaluated 2025-09-28.

Conditions:
Duchenne muscular dystrophy (DMD). Also called: MUSCULAR DYSTROPHY, PSEUDOHYPERTROPHIC PROGRESSIVE, DUCHENNE TYPE; Duchenne Muscular Dystrophy (DMD). Identifiers: Orphanet 98896, MedGen C0013264, MONDO:0010679, OMIM 310200.

Submissions (3):

Labcorp Genetics (formerly Invitae), Labcorp
Classification: Pathogenic for Duchenne muscular dystrophy. Last evaluated: 2025-09-28. Review status: criteria provided, single submitter. Criteria: Invitae Variant Classification Sherloc (09022015). Collection method: clinical testing. Allele origin: germline.
Comment: This sequence change replaces glycine, which is neutral and non-polar, with valine, which is neutral and non-polar, at codon 166 of the DMD protein (p.Gly166Val). This variant is not present in population databases (gnomAD no frequency). This missense change has been observed in individuals with Duchenne muscular dystrophy (PMID: 23536893, 31379145; internal data). ClinVar contains an entry for this variant (Variation ID: 448900). Invitae Evidence Modeling of protein sequence and biophysical properties (such as structural, functional, and spatial information, amino acid conservation, physicochemical variation, residue mobility, and thermodynamic stability) indicates that this missense variant is expected to disrupt DMD protein function with a positive predictive value of 80%. This variant disrupts the p.Gly166 amino acid residue in DMD. Other variant(s) that disrupt this residue have been determined to be pathogenic (PMID: 30833962). This suggests that this residue is clinically significant, and that variants that disrupt this residue are likely to be disease-causing. For these reasons, this variant has been classified as Pathogenic.

Revvity Omics, Revvity
Classification: Uncertain significance. Last evaluated: 2021-05-21. Review status: criteria provided, single submitter. Criteria: ACMG Guidelines, 2015. Collection method: clinical testing. Allele origin: germline.

GenePathDx, GenePath diagnostics
Classification: Uncertain significance for Duchenne muscular dystrophy. Last evaluated: 2017-06-07. Review status: criteria provided, single submitter. Criteria: GenePathDx_Criteria_classificationV2. Collection method: clinical testing. Allele origin: germline. Inheritance: X-linked inheritance. Affected: yes. Observed: 1 variant allele.

Literature cited by the submitters: PubMed 23536893 (cited by Labcorp Genetics (formerly Invitae), Labcorp); PubMed 31379145 (cited by Labcorp Genetics (formerly Invitae), Labcorp); PubMed 30833962 (cited by Labcorp Genetics (formerly Invitae), Labcorp).

NM_004006.3(DMD):c.497G>T (p.Gly166Val)

Gene: DMD (dystrophin; minus strand). Cytogenetic location: Xp21.1.
Variant type: single nucleotide variant.
Coding change: c.497G>T on transcript NM_004006.3 (MANE Select); coding-DNA position 497, G replaced by T.
Protein change: p.Gly166Val; replaces glycine 166 with valine.
Molecular consequence: missense variant.
Genome position (GRCh38, 1-based): chrX:32,816,501, C>A on the plus strand (G>T on the coding strand, the complement: DMD is on the minus strand). VCF-style: chrX-32816501-C-A. GRCh37 (hg19) VCF-style: chrX-32834618-C-A.
Other names: c.473G>T, p.Gly158Val (NM_000109.4); c.485G>T, p.Gly162Val (NM_004009.3); c.128G>T, p.Gly43Val (NM_004010.3); short protein forms G166V, G43V, G158V, G162V.
Identifiers: ClinVar variation 448900 (VCV000448900.8), dbSNP rs1557052538, ClinGen allele CA412674089.
Genomic context (GRCh38, chrX:32,816,501, plus strand): 5'-TATTTAATGTCTCAGTAATCTTCTTACCTATGACTATGGATGAGAGCATTCAAAGCCAGG[C>A]CATCAGACCAGCTGGTGGTGAAGTTGATTACATTAACCTGTGGATAATTACGAGTTGATT-3'
Protein context (NP_003997.2, residues 156-176): VINFTTSWSD[Gly166Val]LALNALIHSH